The following is an entry in ClinVar:

ClinVar aggregate classification (germline): Conflicting classifications of pathogenicity. Review status: criteria provided, conflicting classifications (1 of 4 stars). 2 submissions from 2 submitters: Uncertain significance (1); Likely benign (1). Last evaluated 2026-02-01.

Conditions:
Hirschsprung disease, susceptibility to, 2. Identifiers: Orphanet 388, MedGen C1838564, MONDO:0010833, OMIM 600155.

Allele frequency attached by ClinVar (database versions not stated): ExAC 0.00040; ESP Exome Variant Server 0.00051; gnomAD exomes 0.00016 and 0.00032; TOPMed 0.00019; 1000 Genomes Project 0.00020; 1000 Genomes Project 30x 0.00031.
gnomAD v4.1: 475 of 1,566,990 alleles (0.03%); highest among the groups gnomAD compares: Middle Eastern, 0.045%; no homozygotes.

Submissions (2):

CeGaT Center for Human Genetics Tuebingen
Classification: Likely benign. Last evaluated: 2026-02-01. Review status: criteria provided, single submitter. Criteria: CeGaT Center For Human Genetics Tuebingen Variant Classification Criteria Version 2. Collection method: clinical testing. Allele origin: germline. Affected: yes. Observed: 1 variant allele.
Comment: EDNRB: BP4, BP7

Illumina Laboratory Services, Illumina
Classification: Uncertain significance for Hirschsprung disease, susceptibility to, 2. Last evaluated: 2018-01-12. Review status: criteria provided, single submitter. Criteria: ICSL Variant Classification Criteria 13 December 2019. Collection method: clinical testing. Allele origin: germline.

NM_001122659.3(EDNRB):c.*1662T>C

Genes: EDNRB (endothelin receptor type B; minus strand), EDNRB-AS1 (EDNRB antisense RNA 1; plus strand). Cytogenetic location: 13q22.3.
Variant type: single nucleotide variant.
Coding change: c.*1662T>C on transcript NM_001122659.3 (MANE Select); 1662 bases downstream of the stop codon, T replaced by C.
Molecular consequence: 3 prime UTR variant. On other transcripts: synonymous variant (1).
Genome position (GRCh38, 1-based): chr13:77,896,538, A>G on the plus strand (T>C on the coding strand, the complement: EDNRB is on the minus strand). VCF-style: chr13-77896538-A-G. GRCh37 (hg19) VCF-style: chr13-78470673-A-G.
Other names: c.*1662T>C (NM_000115.5, NM_001201397.2); c.1215T>C, p.Asn405= (NM_003991.4).
Identifiers: ClinVar variation 312453 (VCV000312453.9), dbSNP rs202174312, ClinGen allele CA7012117.